The following is an entry in ClinVar:

NM_004990.4(MARS1):c.1369-10G>A

Gene: MARS1 (methionyl-tRNA synthetase 1; plus strand). Cytogenetic location: 12q13.3.
Variant type: single nucleotide variant.
Coding change: c.1369-10G>A on transcript NM_004990.4 (MANE Select); 10 bases into the intron before coding-DNA position 1369, G replaced by A.
Molecular consequence: intron variant.
Genome position (GRCh38, 1-based): chr12:57,511,688, G>A. VCF-style: chr12-57511688-G-A. GRCh37 (hg19) VCF-style: chr12-57905471-G-A.
Other names: c.1369-10G>A (NM_004990.3).
Identifiers: ClinVar variation 2929527 (VCV002929527.4), dbSNP rs776084640, ClinGen allele CA6650507.

ClinVar aggregate classification (germline): Likely benign. Review status: criteria provided, multiple submitters, no conflicts (2 of 4 stars). 2 submissions from 2 submitters: Likely benign (2). Last evaluated 2025-11-12.

Conditions:
MARS1-related disorder. Also called: MARS1-related condition.
Severe early-onset pulmonary alveolar proteinosis due to MARS deficiency. Also called: PULMONARY ALVEOLAR PROTEINOSIS, REUNION ISLAND; Interstitial lung and liver disease. Identifiers: Orphanet 440427, MedGen C4225400, MONDO:0014206, OMIM 615486.
Charcot-Marie-Tooth disease axonal type 2U. Also called: CHARCOT-MARIE-TOOTH NEUROPATHY, TYPE 2U; CHARCOT-MARIE-TOOTH DISEASE, AXONAL, AUTOSOMAL DOMINANT, TYPE 2U. Identifiers: Orphanet 397735, MedGen C4084821, MONDO:0014566, OMIM 616280.

Allele frequency attached by ClinVar (database versions not stated): TOPMed below 0.00001; gnomAD exomes 0.00001; ExAC 0.00002.
gnomAD v4.1: 14 of 1,613,840 alleles (0.00087%); highest among the groups gnomAD compares: Admixed American, 0.0033%; no homozygotes.

Submissions (2):

PreventionGenetics, part of Exact Sciences
Classification: Likely benign for MARS1-related condition. Last evaluated: 2025-11-12. Review status: criteria provided, single submitter. Criteria: ACMG Guidelines, 2015. Collection method: clinical testing. Allele origin: germline.
Comment: This variant is classified as likely benign based on ACMG/AMP sequence variant interpretation guidelines (Richards et al. 2015 PMID: 25741868, with internal and published modifications).

Labcorp Genetics (formerly Invitae), Labcorp
Classification: Likely benign for Charcot-Marie-Tooth disease axonal type 2U; Severe early-onset pulmonary alveolar proteinosis due to MARS deficiency. Last evaluated: 2025-06-07. Review status: criteria provided, single submitter. Criteria: Invitae Variant Classification Sherloc (09022015). Collection method: clinical testing. Allele origin: germline.